The following is an entry in ClinVar:

NM_201384.3(PLEC):c.10969A>G (p.Ile3657Val)

Gene: PLEC (plectin; minus strand). Cytogenetic location: 8q24.3.
Variant type: single nucleotide variant.
Coding change: c.10969A>G on transcript NM_201384.3 (MANE Select); coding-DNA position 10969, A replaced by G.
Protein change: p.Ile3657Val; replaces isoleucine 3657 with valine.
Molecular consequence: missense variant.
Genome position (GRCh38, 1-based): chr8:143,918,852, T>C on the plus strand (A>G on the coding strand, the complement: PLEC is on the minus strand). VCF-style: chr8-143918852-T-C. GRCh37 (hg19) VCF-style: chr8-144993020-T-C.
Other names: c.11050A>G, p.Ile3684Val (NM_000445.5); c.7669A>G, p.Ile2557Val (NM_001410941.1); c.10927A>G, p.Ile3643Val (NM_201378.4); c.10903A>G, p.Ile3635Val (NM_201379.3); c.11380A>G, p.Ile3794Val (NM_201380.4); c.10873A>G, p.Ile3625Val (NM_201381.3); c.10969A>G, p.Ile3657Val (NM_201382.4); c.10981A>G, p.Ile3661Val (NM_201383.3); short protein forms I2557V, I3625V, I3635V, I3643V, I3657V, I3661V, I3684V, I3794V.
Identifiers: ClinVar variation 3748663 (VCV003748663.2).

ClinVar aggregate classification (germline): Uncertain significance (1 of 4 stars; one submission).

Conditions:
Epidermolysis bullosa simplex with nail dystrophy (EBS5D). Identifiers: MedGen C4225309, MONDO:0014661, OMIM 616487.
Autosomal recessive limb-girdle muscular dystrophy type 2Q (LGMDR17). Also called: MUSCULAR DYSTROPHY, LIMB-GIRDLE, AUTOSOMAL RECESSIVE 17. Identifiers: Orphanet 254361, MedGen C3150989, MONDO:0013390, OMIM 613723.
Epidermolysis bullosa simplex 5B, with muscular dystrophy (EBS5B). Also called: Epidermolysis bullosa simplex with muscular dystrophy; EPIDERMOLYSIS BULLOSA SIMPLEX AND LIMB-GIRDLE MUSCULAR DYSTROPHY. Identifiers: Orphanet 257, MedGen C2931072, MONDO:0009181, OMIM 226670.
Epidermolysis bullosa simplex 5C, with pyloric atresia (EBS5C). Also called: PLEC-Related Epidermolysis Bullosa with Pyloric Atresia; Epidermolysis bullosa simplex with pyloric atresia; PLEC1-Related Epidermolysis Bullosa with Pyloric Atresia. Identifiers: Orphanet 158684, MedGen C2677349, MONDO:0012807, OMIM 612138.
Epidermolysis bullosa simplex, Ogna type (EBS5A). Also called: Pidermolysis bullosa simplex 5A, Ogna type; EPIDERMOLYSIS BULLOSA SIMPLEX 5A, OGNA TYPE. Identifiers: Orphanet 79401, MedGen C0432317, MONDO:0007555, OMIM 131950.

gnomAD v4.1: 2 of 1,612,960 alleles (0.00012%); highest among the groups gnomAD compares: Admixed American, 0.0033%; no homozygotes.

Submission:

Labcorp Genetics (formerly Invitae), Labcorp
Classification: Uncertain significance for Autosomal recessive limb-girdle muscular dystrophy type 2Q; Epidermolysis bullosa simplex, Ogna type; Epidermolysis bullosa simplex with nail dystrophy; Epidermolysis bullosa simplex 5C, with pyloric atresia; Epidermolysis bullosa simplex 5B, with muscular dystrophy. Last evaluated: 2025-01-31. Review status: criteria provided, single submitter. Criteria: Invitae Variant Classification Sherloc (09022015). Collection method: clinical testing. Allele origin: germline.
Comment: This sequence change replaces isoleucine, which is neutral and non-polar, with valine, which is neutral and non-polar, at codon 3684 of the PLEC protein (p.Ile3684Val). This variant is present in population databases (no rsID available, gnomAD 0.006%). This variant has not been reported in the literature in individuals affected with PLEC-related conditions. An algorithm developed to predict the effect of missense changes on protein structure and function outputs the following: PolyPhen-2: "Benign". The valine amino acid residue is found in multiple mammalian species, which suggests that this missense change does not adversely affect protein function. In summary, the available evidence is currently insufficient to determine the role of this variant in disease. Therefore, it has been classified as a Variant of Uncertain Significance.